The following is an entry in ClinVar:

ClinVar aggregate classification (germline): Uncertain significance (1 of 4 stars; one submission).

Conditions:
Myopathy, tubular aggregate, 2 (TAM2). Identifiers: MedGen C4014557, MONDO:0014383, OMIM 615883.
Combined immunodeficiency due to ORAI1 deficiency. Also called: IMMUNODEFICIENCY 9. Identifiers: Orphanet 169090, Orphanet 317428, MedGen C2748568, MONDO:0013007, OMIM 612782.

Submission:

Labcorp Genetics (formerly Invitae), Labcorp
Classification: Uncertain significance for Myopathy, tubular aggregate, 2; Combined immunodeficiency due to ORAI1 deficiency. Last evaluated: 2025-12-19. Review status: criteria provided, single submitter. Criteria: Invitae Variant Classification Sherloc (09022015). Collection method: clinical testing. Allele origin: germline.
Comment: This sequence change replaces alanine, which is neutral and non-polar, with serine, which is neutral and polar, at codon 125 of the ORAI1 protein (p.Ala125Ser). This variant is present in population databases (rs782142903, gnomAD 0.006%). This variant has not been reported in the literature in individuals affected with ORAI1-related conditions. ClinVar contains an entry for this variant (Variation ID: 3750647). Experimental studies and prediction algorithms are not available or were not evaluated, and the functional significance of this variant is currently unknown. In summary, the available evidence is currently insufficient to determine the role of this variant in disease. Therefore, it has been classified as a Variant of Uncertain Significance.

NC_000012.12:g.121641110G>T

Gene: ORAI1 (ORAI calcium release-activated calcium modulator 1; plus strand). Cytogenetic location: 12q24.31.
Variant type: single nucleotide variant.
Molecular consequence: non-coding transcript variant (on NR_186857.1).
Genome position: GRCh38 VCF-style: chr12-121641110-G-T. GRCh37 (hg19) VCF-style: chr12-122079016-G-T.
Identifiers: ClinVar variation 3750647 (VCV003750647.2).